The following is an entry in ClinVar:

ClinVar aggregate classification (germline): Uncertain significance (1 of 4 stars; one submission).

Conditions:
Pseudo-Hurler polydystrophy. Also called: ML III; ML III ALPHA/BETA; MUCOLIPIDOSIS IIIA; Type III Mucolipidosis; ML IIIA; Mucolipidosis III Alpha/Beta. Identifiers: Orphanet 423461, Orphanet 577, MedGen C0033788, MONDO:0018931, OMIM 252600.
Mucolipidosis type II. Also called: ML II ALPHA/BETA; Mucolipidosis 2; ML 2; Inclusion cell disease; Leroy Disease; N-acetylglucosamine 1phosphotransferase deficiency. Identifiers: Orphanet 576, MedGen C2673377, MONDO:0009650, OMIM 252500.

Allele frequency attached by ClinVar (database versions not stated): gnomAD 0.00001.
gnomAD v4.1: 1 of 1,601,154 alleles (0.000062%); highest among the groups gnomAD compares: African/African-American, 0.0013%; no homozygotes.

Submission:

Labcorp Genetics (formerly Invitae), Labcorp
Classification: Uncertain significance for Pseudo-Hurler polydystrophy; Mucolipidosis type II. Last evaluated: 2023-07-07. Review status: criteria provided, single submitter. Criteria: Invitae Variant Classification Sherloc (09022015). Collection method: clinical testing. Allele origin: germline.
Comment: Algorithms developed to predict the effect of sequence changes on RNA splicing suggest that this variant may create or strengthen a splice site. This sequence change falls in intron 8 of the GNPTAB gene. It does not directly change the encoded amino acid sequence of the GNPTAB protein. This variant is not present in population databases (gnomAD no frequency). This variant has not been reported in the literature in individuals affected with GNPTAB-related conditions. ClinVar contains an entry for this variant (Variation ID: 1355984). In summary, the available evidence is currently insufficient to determine the role of this variant in disease. Therefore, it has been classified as a Variant of Uncertain Significance.

NM_024312.5(GNPTAB):c.934-14A>G

Gene: GNPTAB (N-acetylglucosamine-1-phosphate transferase subunits alpha and beta; minus strand). Cytogenetic location: 12q23.2.
Variant type: single nucleotide variant.
Coding change: c.934-14A>G on transcript NM_024312.5 (MANE Select); 14 bases into the intron before coding-DNA position 934, A replaced by G.
Molecular consequence: intron variant.
Genome position (GRCh38, 1-based): chr12:101,770,599, T>C on the plus strand (A>G on the coding strand, the complement: GNPTAB is on the minus strand). VCF-style: chr12-101770599-T-C. GRCh37 (hg19) VCF-style: chr12-102164377-T-C.
Identifiers: ClinVar variation 1355984 (VCV001355984.8), dbSNP rs766980401, ClinGen allele CA951153183.